The following is an entry in ClinVar:

ClinVar aggregate classification (germline): Uncertain significance. Review status: criteria provided, multiple submitters, no conflicts (2 of 4 stars). 2 submissions from 2 submitters: Uncertain significance (2). Last evaluated 2022-04-09.

Conditions:
Epidermolysis bullosa simplex 3, localized or generalized intermediate, with BP230 deficiency (EBS3). Also called: Epidermolysis bullosa simplex, autosomal recessive 2; Epidermolysis bullosa simplex due to BP230 deficiency. Identifiers: Orphanet 412181, MedGen C3809470, MONDO:0014180, OMIM 615425.
Hereditary sensory and autonomic neuropathy type 6. Also called: Neuropathy, hereditary sensory and autonomic, type VI; HSAN VI. Identifiers: Orphanet 314381, MedGen C3539003, MONDO:0013839, OMIM 614653.

Allele frequency attached by ClinVar (database versions not stated): ExAC 0.00001; gnomAD 0.00001; gnomAD exomes 0.00001; TOPMed 0.00002.
gnomAD v4.1: 13 of 1,613,782 alleles (0.00081%); highest among the groups gnomAD compares: African/African-American, 0.0013%; no homozygotes.

Submissions (2):

Labcorp Genetics (formerly Invitae), Labcorp
Classification: Uncertain significance for Epidermolysis bullosa simplex 3, localized or generalized intermediate, with BP230 deficiency; Hereditary sensory and autonomic neuropathy type 6. Last evaluated: 2022-04-09. Review status: criteria provided, single submitter. Criteria: Invitae Variant Classification Sherloc (09022015). Collection method: clinical testing. Allele origin: germline.
Comment: The DST gene has multiple clinically relevant transcripts. This variant occurs in alternate transcript NM_015548.4, and corresponds to NM_001723.5:c.*151831G>A in the primary transcript. This sequence change replaces arginine, which is basic and polar, with glutamine, which is neutral and polar, at codon 4966 of the DST protein (p.Arg4966Gln). This variant is present in population databases (rs767051612, gnomAD 0.002%). This variant has not been reported in the literature in individuals affected with DST-related conditions. Experimental studies and prediction algorithms are not available or were not evaluated, and the functional significance of this variant is currently unknown. In summary, the available evidence is currently insufficient to determine the role of this variant in disease. Therefore, it has been classified as a Variant of Uncertain Significance.

Breakthrough Genomics
Classification: Uncertain significance. Review status: criteria provided, single submitter. Criteria: ACMG Guidelines, 2015. Collection method: not provided. Allele origin: germline. Inheritance: Autosomal recessive inheritance. Affected: yes.

NM_001374736.1(DST):c.22838G>A (p.Arg7613Gln)

Gene: DST (dystonin; minus strand). Cytogenetic location: 6p12.1.
Variant type: single nucleotide variant.
Coding change: c.22838G>A on transcript NM_001374736.1 (MANE Select); coding-DNA position 22838, G replaced by A.
Protein change: p.Arg7613Gln; replaces arginine 7613 with glutamine.
Molecular consequence: missense variant.
Genome position (GRCh38, 1-based): chr6:56,463,686, C>T on the plus strand (G>A on the coding strand, the complement: DST is on the minus strand). VCF-style: chr6-56463686-C-T. GRCh37 (hg19) VCF-style: chr6-56328484-C-T.
Other names: c.16409G>A, p.Arg5470Gln (NM_001144769.5); c.15995G>A, p.Arg5332Gln (NM_001144770.2); c.22766G>A, p.Arg7589Gln (NM_001374722.1); c.21878G>A, p.Arg7293Gln (NM_001374729.1); c.15620G>A, p.Arg5207Gln (NM_001374730.1); c.22793G>A, p.Arg7598Gln (NM_001374734.1); c.15857G>A, p.Arg5286Gln (NM_001386100.1); c.14897G>A, p.Arg4966Gln (NM_015548.5); and 1 more; short protein forms R5207Q, R5292Q, R7293Q, R5470Q, R7598Q, R5286Q, R5332Q, R7589Q.
Identifiers: ClinVar variation 1491790 (VCV001491790.4), dbSNP rs767051612, ClinGen allele CA3866131.